The following is an entry in ClinVar:

NM_020191.4(MRPS22):c.768_769del (p.Gly257fs)

Gene: MRPS22 (mitochondrial ribosomal protein S22; plus strand). Cytogenetic location: 3q23.
Variant type: Deletion.
Coding change: c.768_769del on transcript NM_020191.4 (MANE Select); coding-DNA positions 768 to 769, 2 bases deleted (TG; older notation c.768_769delTG).
Protein change: p.Gly257fs; shifts the reading frame from glycine 257.
Molecular consequence: frameshift variant.
Genome position (GRCh38, 1-based): chr3:139,352,682-139,352,683, TG deleted; deleting any 2 consecutive bases within chr3:139,352,681-139,352,683 gives the same sequence; the c. name uses the placement nearest the transcript's 3' end. VCF-style (leftmost placement, unchanged base first): chr3-139352680-CGT-C. GRCh37 (hg19) VCF-style: chr3-139071522-CGT-C.
Other names: c.645_646del, p.Gly216fs (NM_001363857.1); c.765_766del, p.Gly256fs (NM_001363893.1); short protein forms G216fs, G256fs, G257fs.
Identifiers: ClinVar variation 214685 (VCV000214685.1), dbSNP rs863224077, ClinGen allele CA324395.

ClinVar aggregate classification (germline): Pathogenic (1 of 4 stars; one submission).

Submission:

GeneDx
Classification: Pathogenic. Last evaluated: 2014-09-04. Review status: criteria provided, single submitter. Criteria: GeneDx Variant Classification (06012015). Collection method: clinical testing. Allele origin: germline. Affected: yes.
Comment: p.Gly257LysfsX3: c.768_769delTG in exon 6 in the MRPS22 gene (NM_020191.2). The normal sequence with the bases that are deleted in braces is: AACG{TG}GAAA. The c.768_769delTG mutation in the MRPS22 gene has not been reported previously as a disease-causing mutation nor as a benign polymorphism, to our knowledge. The c.768_769delTG mutation causes a frameshift starting with codon Glycine 257, changes this amino acid to a Lysine residue and creates a premature Stop codon at position 3 of the new reading frame, denoted p.Gly257LysfsX3. This mutation is predicted to cause loss of normal protein function either through protein truncation or nonsense-mediated mRNA decay. The c.768_769delTG mutation was not observed in approximately 6,500 individuals of European and African American ancestry in the NHLBI Exome Sequencing Project, indicating it is not a common benign variant in these populations. We interpret c.768_769delTG as a disease-causing mutation. The variant is found in MRPS22, panel(s).